The following is an entry in ClinVar:

ClinVar aggregate classification (germline): Likely benign (1 of 4 stars; one submission).

Conditions:
Cardiomyopathy (CMYO). Also called: Cardiomyopathies. Identifiers: Orphanet 167848, MedGen C0878544, MONDO:0004994, HP:0001638. Inheritance: Various modes of inheritance.

Submission:

All of Us Research Program, National Institutes of Health
Classification: Likely benign for Cardiomyopathy. Last evaluated: 2024-04-16. Review status: criteria provided, single submitter. Criteria: ACMG Guidelines, 2015. Collection method: clinical testing. Allele origin: germline. Inheritance: Autosomal dominant inheritance. Observed: 1 variant allele, 1 heterozygote.
Comment: This study involves interpretation of variants in research participants for the purpose of population health screening. Participant phenotype was not available at the time of variant classification. Additional details can be found in publication PMID: 35346344, PMCID: PMC8962531

NM_000257.4(MYH7):c.3234G>A (p.Glu1078=)

Gene: MYH7 (myosin heavy chain 7; minus strand). Cytogenetic location: 14q11.2.
Variant type: single nucleotide variant.
Coding change: c.3234G>A on transcript NM_000257.4 (MANE Select); coding-DNA position 3234, G replaced by A.
Protein change: p.Glu1078=; no amino-acid change (glutamic acid 1078 retained).
Molecular consequence: synonymous variant.
Genome position (GRCh38, 1-based): chr14:23,422,191, C>T on the plus strand (G>A on the coding strand, the complement: MYH7 is on the minus strand). VCF-style: chr14-23422191-C-T. GRCh37 (hg19) VCF-style: chr14-23891400-C-T.
Other names: c.3234G>A, p.Glu1078= (NM_001407004.1).
Identifiers: ClinVar variation 3387321 (VCV003387321.1).